The following is an entry in ClinVar:

NM_001101.5(ACTB):c.801G>T (p.Leu267=)

Gene: ACTB (actin beta; minus strand). Cytogenetic location: 7p22.1.
Variant type: single nucleotide variant.
Coding change: c.801G>T on transcript NM_001101.5 (MANE Select); coding-DNA position 801, G replaced by T.
Protein change: p.Leu267=; no amino-acid change (leucine 267 retained).
Molecular consequence: synonymous variant.
Genome position (GRCh38, 1-based): chr7:5,528,282, C>A on the plus strand (G>T on the coding strand, the complement: ACTB is on the minus strand). VCF-style: chr7-5528282-C-A. GRCh37 (hg19) VCF-style: chr7-5567913-C-A.
Identifiers: ClinVar variation 1507775 (VCV001507775.6), dbSNP rs2128241260, ClinGen allele CA453639008.

ClinVar aggregate classification (germline): Uncertain significance (1 of 4 stars; one submission).

Conditions:
Baraitser-Winter syndrome 1 (BRWS1). Also called: BARAITSER-WINTER SYNDROME 1, ATYPICAL; PACHYGYRIA, MENTAL RETARDATION, EPILEPSY, AND CHARACTERISTIC FACIES; MENTAL RETARDATION WITH EPILEPSY AND CHARACTERISTIC FACIES; Cerebrofrontofacial syndrome. Identifiers: Orphanet 2649, Orphanet 2995, MedGen C1855722, MONDO:0009470, OMIM 243310.

Allele frequency attached by ClinVar (database versions not stated): gnomAD exomes below 0.00001.

Submission:

Labcorp Genetics (formerly Invitae), Labcorp
Classification: Uncertain significance for Baraitser-Winter syndrome 1. Last evaluated: 2021-11-15. Review status: criteria provided, single submitter. Criteria: Invitae Variant Classification Sherloc (09022015). Collection method: clinical testing. Allele origin: germline.
Comment: This variant has not been reported in the literature in individuals affected with ACTB-related conditions. In summary, the available evidence is currently insufficient to determine the role of this variant in disease. Therefore, it has been classified as a Variant of Uncertain Significance. Algorithms developed to predict the effect of sequence changes on RNA splicing suggest that this variant is not likely to affect RNA splicing. This variant is not present in population databases (gnomAD no frequency). This sequence change affects codon 267 of the ACTB mRNA. It is a 'silent' change, meaning that it does not change the encoded amino acid sequence of the ACTB protein. It affects a nucleotide within the consensus splice site.